The following is an entry in ClinVar:

ClinVar aggregate classification (germline): Uncertain significance (1 of 4 stars; one submission).

gnomAD v4.1: 1 of 1,613,496 alleles (0.000062%); highest among the groups gnomAD compares: Non-Finnish European, 0.000085%; no homozygotes.

Submission:

Labcorp Genetics (formerly Invitae), Labcorp
Classification: Uncertain significance. Last evaluated: 2022-10-19. Review status: criteria provided, single submitter. Criteria: Invitae Variant Classification Sherloc (09022015). Collection method: clinical testing. Allele origin: germline.
Comment: In summary, the available evidence is currently insufficient to determine the role of this variant in disease. Therefore, it has been classified as a Variant of Uncertain Significance. Algorithms developed to predict the effect of missense changes on protein structure and function (SIFT, PolyPhen-2, Align-GVGD) all suggest that this variant is likely to be tolerated. This variant has not been reported in the literature in individuals affected with AP3D1-related conditions. This variant is present in population databases (no rsID available, gnomAD 0.0009%). This sequence change replaces arginine, which is basic and polar, with proline, which is neutral and non-polar, at codon 946 of the AP3D1 protein (p.Arg946Pro).

NM_001261826.3(AP3D1):c.2837G>C (p.Arg946Pro)

Gene: AP3D1 (adaptor related protein complex 3 subunit delta 1; minus strand). Cytogenetic location: 19p13.3.
Variant type: single nucleotide variant.
Coding change: c.2837G>C on transcript NM_001261826.3 (MANE Select); coding-DNA position 2837, G replaced by C.
Protein change: p.Arg946Pro; replaces arginine 946 with proline.
Molecular consequence: missense variant.
Genome position (GRCh38, 1-based): chr19:2,111,779, C>G on the plus strand (G>C on the coding strand, the complement: AP3D1 is on the minus strand). VCF-style: chr19-2111779-C-G. GRCh37 (hg19) VCF-style: chr19-2111778-C-G.
Other names: c.2801G>C, p.Arg934Pro (NM_001374799.1); c.2651G>C, p.Arg884Pro (NM_003938.8); short protein forms R884P, R934P, R946P.
Identifiers: ClinVar variation 1715856 (VCV001715856.5), dbSNP rs762951857, ClinGen allele CA403204275.
Genomic context (GRCh38, chr19:2,111,779, plus strand): 5'-TCCCCCGCTGCCTCCTCGCTGCCTGGAGGCTGCTTCTTGGACTTCTTCTTGCCTTTGGTC[C>G]GCTCCTCCTTCTCCTTCCTGTGCTTCTTCTTCTTAGGCTTGGGAGATTTCTGGAGCAAGA-3'
Protein context (NP_001248755.1, residues 936-956): KKKHRKEKEE[Arg946Pro]TKGKKKSKKQ